The following is an entry in ClinVar:

ClinVar aggregate classification (germline): Conflicting classifications of pathogenicity. Review status: criteria provided, conflicting classifications (1 of 4 stars). 3 submissions from 3 submitters: Uncertain significance (2); Likely benign (1). Last evaluated 2026-01-13.

Conditions:
Cardiovascular phenotype. Identifiers: MedGen CN230736.
Long QT syndrome (LQTS). Identifiers: MedGen C0023976, MeSH D008133, MONDO:0002442. Disease mechanism: loss of function. Inheritance: Various modes of inheritance.

Allele frequency attached by ClinVar (database versions not stated): ExAC 0.00001; gnomAD 0.00001; gnomAD exomes 0.00003; TOPMed 0.00003.
gnomAD v4.1: 21 of 1,610,612 alleles (0.0013%); highest among the groups gnomAD compares: Middle Eastern, 0.016%; no homozygotes.

Submissions (3):

Labcorp Genetics (formerly Invitae), Labcorp
Classification: Uncertain significance for Long QT syndrome. Last evaluated: 2026-01-13. Review status: criteria provided, single submitter. Criteria: Invitae Variant Classification Sherloc (09022015). Collection method: clinical testing. Allele origin: germline.
Comment: This sequence change replaces isoleucine, which is neutral and non-polar, with threonine, which is neutral and polar, at codon 946 of the CACNA1C protein (p.Ile946Thr). This variant is present in population databases (rs747728381, gnomAD 0.006%). This variant has not been reported in the literature in individuals affected with CACNA1C-related conditions. ClinVar contains an entry for this variant (Variation ID: 644550). Invitae Evidence Modeling of protein sequence and biophysical properties (such as structural, functional, and spatial information, amino acid conservation, physicochemical variation, residue mobility, and thermodynamic stability) indicates that this missense variant is not expected to disrupt CACNA1C protein function with a negative predictive value of 95%. In summary, the available evidence is currently insufficient to determine the role of this variant in disease. Therefore, it has been classified as a Variant of Uncertain Significance.

Ambry Genetics
Classification: Likely benign for Cardiovascular phenotype. Last evaluated: 2024-04-15. Review status: criteria provided, single submitter. Criteria: Ambry Variant Classification Scheme 2023. Collection method: clinical testing. Allele origin: germline.

GeneDx
Classification: Uncertain significance. Last evaluated: 2024-03-19. Review status: criteria provided, single submitter. Criteria: GeneDx Variant Classification Process June 2021. Collection method: clinical testing. Allele origin: germline. Affected: yes.
Comment: In silico analysis supports that this missense variant has a deleterious effect on protein structure/function; Has not been previously published as pathogenic or benign to our knowledge; This variant is associated with the following publications: (PMID: 35932045)

NM_000719.7(CACNA1C):c.2837T>C (p.Ile946Thr)

Gene: CACNA1C (calcium voltage-gated channel subunit alpha1 C; plus strand). Cytogenetic location: 12p13.33.
Variant type: single nucleotide variant.
Coding change: c.2837T>C on transcript NM_000719.7 (MANE Select); coding-DNA position 2837, T replaced by C.
Protein change: p.Ile946Thr; replaces isoleucine 946 with threonine.
Molecular consequence: missense variant. On other transcripts: intron variant (8).
Genome position (GRCh38, 1-based): chr12:2,597,273, T>C. VCF-style: chr12-2597273-T-C. GRCh37 (hg19) VCF-style: chr12-2706439-T-C.
Other names: c.2837T>C, p.Ile946Thr (NM_001129827.2, NM_001129829.2, NM_001129831.2 and 10 more transcripts); c.2828T>C, p.Ile943Thr (NM_001129844.2); c.2794-164T>C (NM_001129840.2, NM_001129836.2, NM_001129841.2 and 5 more transcripts); short protein forms I943T, I946T.
Identifiers: ClinVar variation 644550 (VCV000644550.14), dbSNP rs747728381, ClinGen allele CA6389061.